The following is an entry in ClinVar:

NM_004360.5(CDH1):c.482_483inv (p.Ile161Arg)

Gene: CDH1 (cadherin 1; plus strand). Cytogenetic location: 16q22.1.
Variant type: Inversion.
Coding change: c.482_483inv on transcript NM_004360.5 (MANE Select).
Protein change: p.Ile161Arg; replaces isoleucine 161 with arginine.
Molecular consequence: missense variant. On other transcripts: 5 prime UTR variant (2).
Genome position: GRCh38 VCF-style: chr16-68808518-TC-GA. GRCh37 (hg19) VCF-style: chr16-68842421-TC-GA.
Other names: c.482_483inv, p.Ile161Arg (NM_001317184.2); c.-1134_-1133inv (NM_001317185.2); c.-1338_-1337inv (NM_001317186.2); c.482_483delinsGA (NM_004360.5); short protein forms I161R.
Identifiers: ClinVar variation 4526011 (VCV004526011.1).

ClinVar aggregate classification (germline): Uncertain significance (1 of 4 stars; one submission).

Submission:

Women's Health and Genetics/Laboratory Corporation of America, LabCorp
Classification: Uncertain significance. Last evaluated: 2025-07-10. Review status: criteria provided, single submitter. Criteria: LabCorp Variant Classification Summary - May 2015. Collection method: clinical testing. Allele origin: germline.
Comment: Variant summary: CDH1 c.482_483delinsGA (p.Ile161Arg) results in a non-conservative amino acid change in the encoded protein sequence. Algorithms developed to predict the effect of missense changes on protein structure and function are either unavailable or do not agree on the potential impact of this missense change. The variant was absent in 251394 control chromosomes. The available data on variant occurrences in the general population are insufficient to allow any conclusion about variant significance. To our knowledge, no occurrence of c.482_483delinsGA in individuals affected with Hereditary Diffuse Gastric Cancer and no experimental evidence demonstrating its impact on protein function have been reported. No submitters have cited clinical-significance assessments for this variant to ClinVar. Based on the evidence outlined above, the variant was classified as uncertain significance.